The following is an entry in ClinVar:

NM_000444.6(PHEX):c.2083del (p.Ser695fs)

Genes: PHEX (phosphate regulating endopeptidase X-linked; plus strand), PTCHD1-AS (PTCHD1 and PHEX antisense RNA; minus strand). Cytogenetic location: Xp22.11.
Variant type: Deletion.
Coding change: c.2083del on transcript NM_000444.6 (MANE Select); coding-DNA position 2083, one base deleted (T; older notation c.2083delT).
Protein change: p.Ser695fs; shifts the reading frame from serine 695.
Molecular consequence: frameshift variant. On other transcripts: intron variant (1).
Genome position (GRCh38, 1-based): chrX:22,245,345, T deleted; the last of 2 consecutive T bases (chrX:22,245,344-22,245,345); deleting either gives the same sequence. VCF-style (leftmost placement, unchanged base first): chrX-22245343-AT-A. GRCh37 (hg19) VCF-style: chrX-22263460-AT-A.
Other names: c.2071-2506del (NM_001282754.2); short protein forms S695fs.
Identifiers: ClinVar variation 851835 (VCV000851835.9), dbSNP rs1936360149, ClinGen allele CA916083863.

ClinVar aggregate classification (germline): Pathogenic (1 of 4 stars; one submission).

Submission:

Labcorp Genetics (formerly Invitae), Labcorp
Classification: Pathogenic. Last evaluated: 2023-07-14. Review status: criteria provided, single submitter. Criteria: Invitae Variant Classification Sherloc (09022015). Collection method: clinical testing. Allele origin: germline.
Comment: This variant is not present in population databases (gnomAD no frequency). This premature translational stop signal has been observed in individual(s) with hypophosphatemia (Invitae). ClinVar contains an entry for this variant (Variation ID: 851835). This variant disrupts a region of the PHEX protein in which other variant(s) (p.Trp749Arg) have been determined to be pathogenic (PMID: 9768674, 29858904; Invitae). This suggests that this is a clinically significant region of the protein, and that variants that disrupt it are likely to be disease-causing. For these reasons, this variant has been classified as Pathogenic. This sequence change creates a premature translational stop signal (p.Ser695Profs*45) in the PHEX gene. While this is not anticipated to result in nonsense mediated decay, it is expected to disrupt the last 21 amino acid(s) of the PHEX protein.

Literature cited by the submitters: PubMed 9768674; PubMed 29858904.